The following is an entry in ClinVar:

ClinVar aggregate classification (germline): Uncertain significance. Review status: criteria provided, multiple submitters, no conflicts (2 of 4 stars). 2 submissions from 2 submitters: Uncertain significance (2). Last evaluated 2022-10-18.

Conditions:
Spermatogenic failure 18. Identifiers: MedGen C4539783, MONDO:0054615, OMIM 617576.
Ciliary dyskinesia, primary, 37 (CILD37). Also called: CILIARY DYSKINESIA, PRIMARY, 37, WITH OR WITHOUT SITUS INVERSUS. Identifiers: MedGen C4539798, MONDO:0033204, OMIM 617577.

gnomAD v4.1: 9 of 1,612,636 alleles (0.00056%); highest among the groups gnomAD compares: Admixed American, 0.012%; no homozygotes.

Submissions (2):

Labcorp Genetics (formerly Invitae), Labcorp
Classification: Uncertain significance for Ciliary dyskinesia, primary, 37; Spermatogenic failure 18. Last evaluated: 2022-10-18. Review status: criteria provided, single submitter. Criteria: Invitae Variant Classification Sherloc (09022015). Collection method: clinical testing. Allele origin: germline.
Comment: This sequence change replaces arginine, which is basic and polar, with glycine, which is neutral and non-polar, at codon 3082 of the DNAH1 protein (p.Arg3082Gly). This variant is not present in population databases (gnomAD no frequency). This variant has not been reported in the literature in individuals affected with DNAH1-related conditions. ClinVar contains an entry for this variant (Variation ID: 1044314). Advanced modeling of protein sequence and biophysical properties (such as structural, functional, and spatial information, amino acid conservation, physicochemical variation, residue mobility, and thermodynamic stability) performed at Invitae indicates that this missense variant is not expected to disrupt DNAH1 protein function. In summary, the available evidence is currently insufficient to determine the role of this variant in disease. Therefore, it has been classified as a Variant of Uncertain Significance.

Ambry Genetics
Classification: Uncertain significance. Last evaluated: 2022-04-28. Review status: criteria provided, single submitter. Criteria: Ambry Variant Classification Scheme 2023. Collection method: clinical testing. Allele origin: germline.

NM_015512.5(DNAH1):c.9244C>G (p.Arg3082Gly)

Gene: DNAH1 (dynein axonemal heavy chain 1; plus strand). Cytogenetic location: 3p21.1.
Variant type: single nucleotide variant.
Coding change: c.9244C>G on transcript NM_015512.5 (MANE Select); coding-DNA position 9244, C replaced by G.
Protein change: p.Arg3082Gly; replaces arginine 3082 with glycine.
Molecular consequence: missense variant.
Genome position (GRCh38, 1-based): chr3:52,388,490, C>G. VCF-style: chr3-52388490-C-G. GRCh37 (hg19) VCF-style: chr3-52422506-C-G.
Other names: c.9244C>G (NM_015512.4); short protein forms R3082G.
Identifiers: ClinVar variation 1044314 (VCV001044314.4), dbSNP rs781114057, ClinGen allele CA353194890.